The following is an entry in ClinVar:

ClinVar aggregate classification (germline): Likely pathogenic (1 of 4 stars; one submission).

Conditions:
LONP1-related disorder. Also called: LONP1-related disorders; LONP1-related condition.

Submission:

PreventionGenetics, part of Exact Sciences
Classification: Likely pathogenic for LONP1-related condition. Last evaluated: 2026-05-05. Review status: criteria provided, single submitter. Criteria: ACMG Guidelines, 2015. Collection method: clinical testing. Allele origin: germline.
Comment: The LONP1 c.301delG variant is predicted to result in a frameshift and premature protein termination (p.Ala101Argfs*9). To our knowledge, this variant has not been reported in the literature or in a large population database (gnomAD), indicating this variant is rare. Frameshift variants in LONP1 are expected to be pathogenic. This variant is interpreted as likely pathogenic for autosomal dominant LONP1-related disorders.

NM_004793.4(LONP1):c.301del (p.Ala101fs)

Genes: LONP1 (lon peptidase 1, mitochondrial; minus strand), LOC130063270 (ATAC-STARR-seq lymphoblastoid silent region 9931; plus strand). Cytogenetic location: 19p13.3.
Variant type: Deletion.
Coding change: c.301del on transcript NM_004793.4 (MANE Select); coding-DNA position 301, one base deleted (G; older notation c.301delG).
Protein change: p.Ala101fs; shifts the reading frame from alanine 101.
Molecular consequence: frameshift variant. On other transcripts: non-coding transcript variant (1), intron variant (2).
Genome position (GRCh38, 1-based): chr19:5,719,832, C deleted on the plus strand (G on the coding strand, the reverse complement: LONP1 is on the minus strand). VCF-style (leftmost placement, unchanged base first): chr19-5719831-GC-G. GRCh37 (hg19) VCF-style: chr19-5719842-GC-G.
Other names: c.-160+387del (NM_001276480.1); c.125-16del (NM_001276479.2); short protein forms A101fs.
Identifiers: ClinVar variation 4990861 (VCV004990861.1).